The following is an entry in ClinVar:

NM_080722.4(ADAMTS14):c.3146A>G (p.Glu1049Gly)

Gene: ADAMTS14 (ADAM metallopeptidase with thrombospondin type 1 motif 14; plus strand). Cytogenetic location: 10q22.1.
Variant type: single nucleotide variant.
Coding change: c.3146A>G on transcript NM_080722.4 (MANE Select); coding-DNA position 3146, A replaced by G.
Protein change: p.Glu1049Gly; replaces glutamic acid 1049 with glycine.
Molecular consequence: missense variant.
Genome position (GRCh38, 1-based): chr10:70,758,253, A>G. VCF-style: chr10-70758253-A-G. GRCh37 (hg19) VCF-style: chr10-72518009-A-G.
Other names: c.3155A>G, p.Glu1052Gly (NM_139155.3); short protein forms E1049G, E1052G.
Identifiers: ClinVar variation 1287457 (VCV001287457.2), dbSNP rs4747096, ClinGen allele CA5540347.

ClinVar aggregate classification (germline): Benign. Review status: criteria provided, multiple submitters, no conflicts (2 of 4 stars). 2 submissions from 2 submitters: Benign (2). Last evaluated 2020-07-15.

Allele frequency attached by ClinVar (database versions not stated): ESP Exome Variant Server 0.17046; gnomAD exomes 0.17928 and 0.19237; TOPMed 0.18711; gnomAD 0.18732 and 0.18814; ExAC 0.18879; 1000 Genomes Project 0.21805; 1000 Genomes Project 30x 0.21830.
gnomAD v4.1: 290,641 of 1,613,734 alleles (18%); highest among the groups gnomAD compares: East Asian, 38%; 27,609 homozygotes.

Submissions (2):

GeneDx
Classification: Benign. Last evaluated: 2020-07-15. Review status: criteria provided, single submitter. Criteria: GeneDx Variant Classification Process June 2021. Collection method: clinical testing. Allele origin: germline. Affected: yes.
Comment: This variant is associated with the following publications: (PMID: 23491141)

Breakthrough Genomics
Classification: Benign. Review status: criteria provided, single submitter. Criteria: ACMG Guidelines, 2015. Collection method: not provided. Allele origin: germline. Inheritance: Unknown mechanism. Affected: yes.